The following is an entry in ClinVar:

ClinVar aggregate classification (germline): Uncertain significance (1 of 4 stars; one submission).

Conditions:
Symmetrical dyschromatosis of extremities (DSH). Also called: RETICULATE ACROPIGMENTATION OF DOHI; SYMMETRIC DYSCHROMATOSIS OF THE EXTREMITIES; Dyschromatosis symmetrica hereditaria; DYSCHROMATOSIS SYMMETRICA HEREDITARIA 1. Identifiers: Orphanet 41, MedGen C0406775, MONDO:0007483, OMIM 127400.
Aicardi-Goutieres syndrome 6 (AGS6). Identifiers: Orphanet 51, MedGen C3539013, MONDO:0014007, OMIM 615010.

Allele frequency attached by ClinVar (database versions not stated): TOPMed below 0.00001.

Submission:

Labcorp Genetics (formerly Invitae), Labcorp
Classification: Uncertain significance for Aicardi-Goutieres syndrome 6; Symmetrical dyschromatosis of extremities. Last evaluated: 2024-06-29. Review status: criteria provided, single submitter. Criteria: Invitae Variant Classification Sherloc (09022015). Collection method: clinical testing. Allele origin: germline.
Comment: This sequence change replaces glutamic acid, which is acidic and polar, with glutamine, which is neutral and polar, at codon 638 of the ADAR protein (p.Glu638Gln). This variant is not present in population databases (gnomAD no frequency). This variant has not been reported in the literature in individuals affected with ADAR-related conditions. ClinVar contains an entry for this variant (Variation ID: 2040318). Advanced modeling of protein sequence and biophysical properties (such as structural, functional, and spatial information, amino acid conservation, physicochemical variation, residue mobility, and thermodynamic stability) performed at Invitae indicates that this missense variant is not expected to disrupt ADAR protein function with a negative predictive value of 80%. In summary, the available evidence is currently insufficient to determine the role of this variant in disease. Therefore, it has been classified as a Variant of Uncertain Significance.

NM_001111.5(ADAR):c.1912G>C (p.Glu638Gln)

Gene: ADAR (adenosine deaminase RNA specific; minus strand). Cytogenetic location: 1q21.3.
Variant type: single nucleotide variant.
Coding change: c.1912G>C on transcript NM_001111.5 (MANE Select); coding-DNA position 1912, G replaced by C.
Protein change: p.Glu638Gln; replaces glutamic acid 638 with glutamine.
Molecular consequence: missense variant.
Genome position (GRCh38, 1-based): chr1:154,597,850, C>G on the plus strand (G>C on the coding strand, the complement: ADAR is on the minus strand). VCF-style: chr1-154597850-C-G. GRCh37 (hg19) VCF-style: chr1-154570326-C-G.
Other names: c.1027G>C, p.Glu343Gln (NM_001025107.3, NM_001193495.2, NM_001365046.1 and 3 more transcripts); c.1939G>C, p.Glu647Gln (NM_001365045.1); c.1912G>C, p.Glu638Gln (NM_015840.4, NM_015841.4); short protein forms E343Q, E638Q, E647Q.
Identifiers: ClinVar variation 2040318 (VCV002040318.4), dbSNP rs1697605132, ClinGen allele CA342638539.